The following is an entry in ClinVar:

ClinVar aggregate classification (germline): Uncertain significance (1 of 4 stars; one submission).

gnomAD v4.1: 2 of 1,602,960 alleles (0.00012%); highest among the groups gnomAD compares: Non-Finnish European, 0.00017%; no homozygotes.

Submission:

Labcorp Genetics (formerly Invitae), Labcorp
Classification: Uncertain significance. Last evaluated: 2025-02-12. Review status: criteria provided, single submitter. Criteria: Invitae Variant Classification Sherloc (09022015). Collection method: clinical testing. Allele origin: germline.
Comment: This sequence change replaces glutamic acid, which is acidic and polar, with lysine, which is basic and polar, at codon 2125 of the DMXL2 protein (p.Glu2125Lys). This variant is not present in population databases (gnomAD no frequency). This variant has not been reported in the literature in individuals affected with DMXL2-related conditions. An algorithm developed to predict the effect of missense changes on protein structure and function (PolyPhen-2) suggests that this variant is likely to be disruptive. In summary, the available evidence is currently insufficient to determine the role of this variant in disease. Therefore, it has been classified as a Variant of Uncertain Significance.

NM_001378457.1(DMXL2):c.6373G>A (p.Glu2125Lys)

Gene: DMXL2 (Dmx like 2; minus strand). Cytogenetic location: 15q21.2.
Variant type: single nucleotide variant.
Coding change: c.6373G>A on transcript NM_001378457.1 (MANE Select); coding-DNA position 6373, G replaced by A.
Protein change: p.Glu2125Lys; replaces glutamic acid 2125 with lysine.
Molecular consequence: missense variant. On other transcripts: non-coding transcript variant (2).
Genome position (GRCh38, 1-based): chr15:51,480,733, C>T on the plus strand (G>A on the coding strand, the complement: DMXL2 is on the minus strand). VCF-style: chr15-51480733-C-T. GRCh37 (hg19) VCF-style: chr15-51772930-C-T.
Other names: c.4465G>A, p.Glu1489Lys (NM_001174117.3); c.6373G>A, p.Glu2125Lys (NM_001378458.1, NM_001378459.1, NM_001174116.3 and 4 more transcripts); c.4354G>A, p.Glu1452Lys (NM_001378460.1); c.6133G>A, p.Glu2045Lys (NM_001378464.1); short protein forms E1452K, E2125K, E1489K, E2045K.
Identifiers: ClinVar variation 4761975 (VCV004761975.1).